The following is an entry in ClinVar:

NM_001687.5(ATP5F1D):c.141+6G>C

Genes: ATP5F1D (ATP synthase F1 subunit delta; plus strand), LOC130062903 (ATAC-STARR-seq lymphoblastoid silent region 9673; plus strand). Cytogenetic location: 19p13.3.
Variant type: single nucleotide variant.
Coding change: c.141+6G>C on transcript NM_001687.5 (MANE Select); 6 bases into the intron after coding-DNA position 141, G replaced by C.
Molecular consequence: intron variant.
Genome position (GRCh38, 1-based): chr19:1,241,997, G>C. VCF-style: chr19-1241997-G-C. GRCh37 (hg19) VCF-style: chr19-1241996-G-C.
Other names: c.141+6G>C (NM_001001975.2).
Identifiers: ClinVar variation 3036825 (VCV003036825.2), dbSNP rs2512987783, ClinGen allele CA2740091827.
Genomic context (GRCh38, chr19:1,241,997, plus strand): 5'-GGCTGCCGCCTCTGGCCCCAACCAGATGTCCTTCACCTTCGCCTCTCCCACGCAGGTTCG[G>C]GCGCTGCGGGTCGGGACCCTCCGTGGCCGCCGCCCCCGGAGTCCAGGGTCCCCACCCCCA-3'

ClinVar aggregate classification (germline): Likely benign (0 of 4 stars; one submission).

Conditions:
ATP5F1D-related disorder. Also called: ATP5F1D-related condition.

Submission:

PreventionGenetics, part of Exact Sciences
Classification: Likely benign for ATP5F1D-related condition. Last evaluated: 2022-03-23. Review status: no assertion criteria provided. Collection method: clinical testing. Allele origin: germline.
Comment: This variant is classified as likely benign based on ACMG/AMP sequence variant interpretation guidelines (Richards et al. 2015 PMID: 25741868, with internal and published modifications).